The following is an entry in ClinVar:

NM_001105247.2(ARMC5):c.466C>T (p.Leu156Phe)

Genes: ARMC5 (armadillo repeat containing 5; plus strand), LOC130058906 (ATAC-STARR-seq lymphoblastoid silent region 7419; plus strand). Cytogenetic location: 16p11.2.
Variant type: single nucleotide variant.
Coding change: c.466C>T on transcript NM_001105247.2 (MANE Select); coding-DNA position 466, C replaced by T.
Protein change: p.Leu156Phe; replaces leucine 156 with phenylalanine.
Molecular consequence: missense variant.
Genome position (GRCh38, 1-based): chr16:31,459,990, C>T. VCF-style: chr16-31459990-C-T. GRCh37 (hg19) VCF-style: chr16-31471311-C-T.
Other names: c.751C>T, p.Leu251Phe (NM_001288767.2); c.562C>T, p.Leu188Phe (NM_001301820.1); c.466C>T, p.Leu156Phe (NM_024742.2); short protein forms L188F, L156F, L251F.
Identifiers: ClinVar variation 777010 (VCV000777010.10), dbSNP rs114930262, ClinGen allele CA8029452.
Genomic context (GRCh38, chr16:31,459,990, plus strand): 5'-CTAGCCGATTGCTGTACGGAAGGGGCGTGCCGGACCGAAGTGCGCAGACTCGGAGGCATA[C>T]TCCCTTTGGGTAAGTGCTCCGCCCCCGTTTCCTAGAAAGATTAGGTTTGCAACTCCCTTG-3'
Protein context (NP_001098717.1, residues 146-166): RTEVRRLGGI[Leu156Phe]PLVTILQCMK

ClinVar aggregate classification (germline): Benign/Likely benign. Review status: criteria provided, multiple submitters, no conflicts (2 of 4 stars). 4 submissions from 4 submitters: Benign (2); Likely benign (2). Last evaluated 2026-03-01.

Conditions:
ACTH-independent macronodular adrenal hyperplasia 2. Also called: PRIMARY MACRONODULAR ADRENAL HYPERPLASIA. Identifiers: Orphanet 189427, MedGen C4014803, MONDO:0014416, OMIM 615954.

Allele frequency attached by ClinVar (database versions not stated): ESP Exome Variant Server 0.00653; TOPMed 0.00671; gnomAD 0.00704; 1000 Genomes Project 0.00759; 1000 Genomes Project 30x 0.00874.

Submissions (4):

CeGaT Center for Human Genetics Tuebingen
Classification: Likely benign. Last evaluated: 2026-03-01. Review status: criteria provided, single submitter. Criteria: CeGaT Center For Human Genetics Tuebingen Variant Classification Criteria Version 2. Collection method: clinical testing. Allele origin: germline. Affected: yes. Observed: 2 variant alleles.
Comment: ARMC5: BP4, BS1

Fulgent Genetics
Classification: Likely benign for ACTH-independent macronodular adrenal hyperplasia 2. Last evaluated: 2021-10-25. Review status: criteria provided, single submitter. Criteria: ACMG Guidelines, 2015. Collection method: clinical testing. Allele origin: unknown.

Labcorp Genetics (formerly Invitae), Labcorp
Classification: Benign. Last evaluated: 2019-12-31. Review status: criteria provided, single submitter. Criteria: Invitae Variant Classification Sherloc (09022015). Collection method: clinical testing. Allele origin: germline.

Breakthrough Genomics
Classification: Benign. Review status: criteria provided, single submitter. Criteria: ACMG Guidelines, 2015. Collection method: not provided. Allele origin: germline. Inheritance: Autosomal dominant inheritance. Affected: yes.